The following is an entry in ClinVar:

NM_007294.4(BRCA1):c.4484+10A>G

Gene: BRCA1 (BRCA1 DNA repair associated; minus strand). Cytogenetic location: 17q21.31.
Variant type: single nucleotide variant.
Coding change: c.4484+10A>G on transcript NM_007294.4 (MANE Select); 10 bases into the intron after coding-DNA position 4484, A replaced by G.
Molecular consequence: intron variant.
Genome position (GRCh38, 1-based): chr17:43,076,478, T>C on the plus strand (A>G on the coding strand, the complement: BRCA1 is on the minus strand). VCF-style: chr17-43076478-T-C. GRCh37 (hg19) VCF-style: chr17-41228495-T-C.
Other names: IVS14+10A>G; c.1031+10A>G (NM_001408458.1, NM_001408461.1, NM_001408464.1 and 7 more transcripts); c.3593+10A>G (NM_001407967.1); c.4103+10A>G (NM_001407959.1); c.4217+10A>G (NM_001407931.1, NM_001407932.1, NM_001407928.1 and 4 more transcripts); c.4340+10A>G (NM_001407747.1, NM_001407745.1, NM_001407737.1 and 21 more transcripts); c.4100+10A>G (NM_001407962.1, NM_001407960.1); c.671+10A>G (NM_001408512.1); and 72 more.
Identifiers: ClinVar variation 125713 (VCV000125713.5), dbSNP rs80358077, ClinGen allele CA002870.

ClinVar aggregate classification (germline): Uncertain significance. Review status: criteria provided, multiple submitters, no conflicts (2 of 4 stars). 3 submissions from 3 submitters: Uncertain significance (2). 1 of the submissions does not count toward it. Last evaluated 2023-10-26.

Conditions:
Breast-ovarian cancer, familial, susceptibility to, 1 (BROVCA1). Also called: BRCA1 Hereditary Breast and Ovarian Cancer; OVARIAN CANCER, SUSCEPTIBILITY TO. Identifiers: Orphanet 145, MedGen C2676676, MONDO:0011450, OMIM 604370. Disease mechanism: loss of function.

Submissions (3):

Quest Diagnostics Nichols Institute San Juan Capistrano
Classification: Uncertain significance. Last evaluated: 2023-10-26. Review status: criteria provided, single submitter. Criteria: Quest Diagnostics criteria. Collection method: clinical testing. Allele origin: unknown.
Comment: The BRCA1 c.4484+10A>G variant has been reported in the published literature in a multifactorial analysis with a posterior probability suggestive of a neutral impact on BRCA1 function (PMID: 31131967 (2019)). This variant has not been reported in large, multi-ethnic general populations (Genome Aggregation Database). Analysis of this variant using software algorithms for the prediction of the effect of nucleotide changes on splicing yielded predictions that this variant does not affect BRCA1 mRNA splicing. Based on the available information, we are unable to determine the clinical significance of this variant.

Women's Health and Genetics/Laboratory Corporation of America, LabCorp
Classification: Uncertain significance. Last evaluated: 2022-12-19. Review status: criteria provided, single submitter. Criteria: LabCorp Variant Classification Summary - May 2015. Collection method: clinical testing. Allele origin: germline.

Breast Cancer Information Core (BIC) (BRCA1)
Classification: Uncertain significance for Breast-ovarian cancer, familial 1. Last evaluated: 2002-05-29. Review status: no assertion criteria provided. Collection method: clinical testing. Allele origin: germline. Affected: yes. Observed: 1 variant allele. Not counted in ClinVar's aggregate classification.

Literature cited by the submitters: PubMed 31131967 (cited by Quest Diagnostics Nichols Institute San Juan Capistrano).